The following is an entry in ClinVar:

NM_001379500.1(COL18A1):c.1452+3G>C

Gene: COL18A1 (collagen type XVIII alpha 1 chain; plus strand). Cytogenetic location: 21q22.3.
Variant type: single nucleotide variant.
Coding change: c.1452+3G>C on transcript NM_001379500.1 (MANE Select); 3 bases into the intron after coding-DNA position 1452, G replaced by C.
Molecular consequence: intron variant.
Genome position (GRCh38, 1-based): chr21:45,480,523, G>C. VCF-style: chr21-45480523-G-C. GRCh37 (hg19) VCF-style: chr21-46900437-G-C.
Other names: c.2697+3G>C (NM_130444.3); c.1992+3G>C (NM_030582.4).
Identifiers: ClinVar variation 1347907 (VCV001347907.6), dbSNP rs748096473, ClinGen allele CA10066325.

ClinVar aggregate classification (germline): Uncertain significance (1 of 4 stars; one submission).

Allele frequency attached by ClinVar (database versions not stated): TOPMed below 0.00001.
gnomAD v4.1: 1 of 1,614,122 alleles (0.000062%); highest among the groups gnomAD compares: Non-Finnish European, 0.000085%; no homozygotes.

Submission:

Labcorp Genetics (formerly Invitae), Labcorp
Classification: Uncertain significance. Last evaluated: 2021-04-23. Review status: criteria provided, single submitter. Criteria: Invitae Variant Classification Sherloc (09022015). Collection method: clinical testing. Allele origin: germline.
Comment: This variant is present in population databases (rs748096473, ExAC 0.002%). This variant has not been reported in the literature in individuals with COL18A1-related conditions. Nucleotide substitutions within the consensus splice site are a relatively common cause of aberrant splicing (PMID: 17576681, 9536098). Experimental studies and prediction algorithms are not available or were not evaluated, and the effect of this variant on mRNA splicing is currently unknown. This sequence change falls in intron 12 of the COL18A1 gene. It does not directly change the encoded amino acid sequence of the COL18A1 protein. It affects a nucleotide within the consensus splice site of the intron. In summary, the available evidence is currently insufficient to determine the role of this variant in disease. Therefore, it has been classified as a Variant of Uncertain Significance.

Literature cited by the submitters: PubMed 17576681; PubMed 9536098.